The following is an entry in ClinVar:

NM_005228.5(EGFR):c.2489A>G (p.Asp830Gly)

Gene: EGFR (epidermal growth factor receptor; plus strand). Cytogenetic location: 7p11.2.
Variant type: single nucleotide variant.
Coding change: c.2489A>G on transcript NM_005228.5 (MANE Select); coding-DNA position 2489, A replaced by G.
Protein change: p.Asp830Gly; replaces aspartic acid 830 with glycine.
Molecular consequence: missense variant.
Genome position (GRCh38, 1-based): chr7:55,191,738, A>G. VCF-style: chr7-55191738-A-G. GRCh37 (hg19) VCF-style: chr7-55259431-A-G.
Other names: c.2354A>G, p.Asp785Gly (NM_001346897.2, NM_001346899.2); c.2489A>G, p.Asp830Gly (NM_001346898.2); c.2330A>G, p.Asp777Gly (NM_001346900.2); c.1688A>G, p.Asp563Gly (NM_001346941.2); short protein forms D830G, D785G, D563G, D777G.
Identifiers: ClinVar variation 3719308 (VCV003719308.2).

ClinVar aggregate classification (germline): Uncertain significance (1 of 4 stars; one submission).

Conditions:
EGFR-related lung cancer (EGFR). Identifiers: MedGen CN130014.

Submission:

Labcorp Genetics (formerly Invitae), Labcorp
Classification: Uncertain significance for EGFR-related lung cancer. Last evaluated: 2025-01-30. Review status: criteria provided, single submitter. Criteria: Invitae Variant Classification Sherloc (09022015). Collection method: clinical testing. Allele origin: germline.
Comment: This sequence change replaces aspartic acid, which is acidic and polar, with glycine, which is neutral and non-polar, at codon 830 of the EGFR protein (p.Asp830Gly). This variant is not present in population databases (gnomAD no frequency). This variant has not been reported in the literature in individuals affected with EGFR-related conditions. Invitae Evidence Modeling of protein sequence and biophysical properties (such as structural, functional, and spatial information, amino acid conservation, physicochemical variation, residue mobility, and thermodynamic stability) indicates that this missense variant is not expected to disrupt EGFR protein function with a negative predictive value of 80%. In summary, the available evidence is currently insufficient to determine the role of this variant in disease. Therefore, it has been classified as a Variant of Uncertain Significance.